The following is an entry in ClinVar:

ClinVar aggregate classification (germline): Uncertain significance. Review status: criteria provided, multiple submitters, no conflicts (2 of 4 stars). 2 submissions from 2 submitters: Uncertain significance (2). Last evaluated 2024-02-17.

Conditions:
Cryopyrin associated periodic syndrome (CAPS). Identifiers: Orphanet 208650, MedGen C2316212, MONDO:0016168.

Allele frequency attached by ClinVar (database versions not stated): gnomAD exomes below 0.00001; TOPMed below 0.00001; gnomAD 0.00001.

Submissions (2):

Labcorp Genetics (formerly Invitae), Labcorp
Classification: Uncertain significance for Cryopyrin associated periodic syndrome. Last evaluated: 2024-02-17. Review status: criteria provided, single submitter. Criteria: Invitae Variant Classification Sherloc (09022015). Collection method: clinical testing. Allele origin: germline.
Comment: This sequence change creates a premature translational stop signal (p.Arg699*) in the NLRP3 gene. It is expected to result in an absent or disrupted protein product. However, the current clinical and genetic evidence is not sufficient to establish whether loss-of-function variants in NLRP3 cause disease. This variant is present in population databases (no rsID available, gnomAD 0.0009%). This variant has not been reported in the literature in individuals affected with NLRP3-related conditions. ClinVar contains an entry for this variant (Variation ID: 930081). Experimental studies and prediction algorithms are not available or were not evaluated, and the functional significance of this variant is currently unknown. In summary, the available evidence is currently insufficient to determine the role of this variant in disease. Therefore, it has been classified as a Variant of Uncertain Significance.

Laboratory for Molecular Medicine, Mass General Brigham Personalized Medicine
Classification: Uncertain significance. Last evaluated: 2019-09-17. Review status: criteria provided, single submitter. Criteria: LMM Criteria. Collection method: clinical testing. Allele origin: germline. Observed: 1 variant allele.
Comment: The p.Arg699X variant in NLRP3 has not been previously reported in individuals with cryopyrin-associated periodic syndrome (CAPS), but has been identified in 0.001% (1/113704) of European chromosomes by gnomAD. This nonsense variant leads to a premature termination codon at position 699, which is predicted to lead to a truncated or absent protein. However, loss of NLRP3 function is not a known disease mechanism for CAPS. In summary, the clinical significance of this variant is uncertain. ACMG/AMP Criteria applied: PM2.

NM_001243133.2(NLRP3):c.2089C>T (p.Arg697Ter)

Gene: NLRP3 (NLR family pyrin domain containing 3; plus strand). Cytogenetic location: 1q44.
Variant type: single nucleotide variant.
Coding change: c.2089C>T on transcript NM_001243133.2 (MANE Select); coding-DNA position 2089, C replaced by T.
Protein change: p.Arg697Ter; replaces arginine 697 with a stop codon.
Molecular consequence: nonsense.
Genome position (GRCh38, 1-based): chr1:247,425,538, C>T. VCF-style: chr1-247425538-C-T. GRCh37 (hg19) VCF-style: chr1-247588840-C-T.
Other names: c.2089C>T, p.Arg697Ter (NM_001079821.3, NM_001127461.3, NM_001127462.3 and 1 more transcripts); c.2095C>T, p.Arg699Ter (NM_004895.5); short protein forms R697*, R699*.
Identifiers: ClinVar variation 930081 (VCV000930081.8), dbSNP rs1191108022, ClinGen allele CA345558643.
Genomic context (GRCh38, chr1:247,425,538, plus strand): 5'-CTGTCCCTGGGGTTTCTCCATAACATGCCCAAGGAGGAAGAGGAGGAGGAAAAGGAAGGC[C>T]GACACCTTGATATGGTGCAGTGTGTCCTCCCAAGCTCCTCTCATGCTGCCTGTTCTCATG-3'